The following is an entry in ClinVar:

ClinVar aggregate classification (germline): Uncertain significance (1 of 4 stars; one submission).

Submission:

GeneDx
Classification: Uncertain significance. Last evaluated: 2024-07-17. Review status: criteria provided, single submitter. Criteria: GeneDx Variant Classification Process June 2021. Collection method: clinical testing. Allele origin: germline.
Comment: Has not been previously published as pathogenic or benign to our knowledge; Not observed at significant frequency in large population cohorts (gnomAD); In silico analysis supports that this missense variant has a deleterious effect on protein structure/function

NM_006593.4(TBR1):c.1003C>A (p.Pro335Thr)

Gene: TBR1 (T-box brain transcription factor 1; plus strand). Cytogenetic location: 2q24.2.
Variant type: single nucleotide variant.
Coding change: c.1003C>A on transcript NM_006593.4 (MANE Select); coding-DNA position 1003, C replaced by A.
Protein change: p.Pro335Thr; replaces proline 335 with threonine.
Molecular consequence: missense variant.
Genome position (GRCh38, 1-based): chr2:161,418,925, C>A. VCF-style: chr2-161418925-C-A. GRCh37 (hg19) VCF-style: chr2-162275436-C-A.
Other names: short protein forms P335T.
Identifiers: ClinVar variation 2663445 (VCV002663445.2), dbSNP rs2468093742, ClinGen allele CA349212737.